The following is an entry in ClinVar:

ClinVar aggregate classification (germline): Uncertain significance (1 of 4 stars; one submission).

Submission:

GeneDx
Classification: Uncertain significance. Last evaluated: 2022-08-31. Review status: criteria provided, single submitter. Criteria: GeneDx Variant Classification Process June 2021. Collection method: clinical testing. Allele origin: germline. Affected: yes.
Comment: Not observed at significant frequency in large population cohorts (gnomAD); In silico analysis supports that this missense variant has a deleterious effect on protein structure/function; Has not been previously published as pathogenic or benign to our knowledge

NM_001205293.3(CACNA1E):c.6930T>G (p.Asp2310Glu)

Gene: CACNA1E (calcium voltage-gated channel subunit alpha1 E; plus strand). Cytogenetic location: 1q25.3.
Variant type: single nucleotide variant.
Coding change: c.6930T>G on transcript NM_001205293.3 (MANE Select); coding-DNA position 6930, T replaced by G.
Protein change: p.Asp2310Glu; replaces aspartic acid 2310 with glutamic acid.
Molecular consequence: missense variant.
Genome position (GRCh38, 1-based): chr1:181,798,822, T>G. VCF-style: chr1-181798822-T-G. GRCh37 (hg19) VCF-style: chr1-181767958-T-G.
Other names: c.6801T>G, p.Asp2267Glu (NM_000721.4); c.6744T>G, p.Asp2248Glu (NM_001205294.2); short protein forms D2248E, D2267E, D2310E.
Identifiers: ClinVar variation 2442660 (VCV002442660.1), dbSNP rs1469221029, ClinGen allele CA343846058.